The following is an entry in ClinVar:

NM_001145809.2(MYH14):c.5704G>T (p.Val1902Leu)

Gene: MYH14 (myosin heavy chain 14; plus strand). Cytogenetic location: 19q13.33.
Variant type: single nucleotide variant.
Coding change: c.5704G>T on transcript NM_001145809.2 (MANE Select); coding-DNA position 5704, G replaced by T.
Protein change: p.Val1902Leu; replaces valine 1902 with leucine.
Molecular consequence: missense variant.
Genome position (GRCh38, 1-based): chr19:50,307,074, G>T. VCF-style: chr19-50307074-G-T. GRCh37 (hg19) VCF-style: chr19-50810331-G-T.
Other names: c.5605G>T, p.Val1869Leu (NM_001077186.2); c.5581G>T, p.Val1861Leu (NM_024729.4); short protein forms V1869L, V1902L, V1861L.
Identifiers: ClinVar variation 4695960 (VCV004695960.1).

ClinVar aggregate classification (germline): Uncertain significance (1 of 4 stars; one submission).

gnomAD v4.1: 27 of 1,551,038 alleles (0.0017%); highest among the groups gnomAD compares: Non-Finnish European, 0.0024%; no homozygotes.

Submission:

Labcorp Genetics (formerly Invitae), Labcorp
Classification: Uncertain significance. Last evaluated: 2025-11-27. Review status: criteria provided, single submitter. Criteria: Invitae Variant Classification Sherloc (09022015). Collection method: clinical testing. Allele origin: germline.
Comment: This sequence change replaces valine, which is neutral and non-polar, with leucine, which is neutral and non-polar, at codon 1861 of the MYH14 protein (p.Val1861Leu). This variant is present in population databases (no rsID available, gnomAD 0.009%). This variant has not been reported in the literature in individuals affected with MYH14-related conditions. An algorithm developed to predict the effect of missense changes on protein structure and function (PolyPhen-2) suggests that this variant is likely to be tolerated. In summary, the available evidence is currently insufficient to determine the role of this variant in disease. Therefore, it has been classified as a Variant of Uncertain Significance.